The following is an entry in ClinVar:

ClinVar aggregate classification (germline): Conflicting classifications of pathogenicity. Review status: criteria provided, conflicting classifications (1 of 4 stars). 3 submissions from 3 submitters: Likely pathogenic (1); Uncertain significance (2). Last evaluated 2026-04-06.

gnomAD v4.1: 1 of 1,614,056 alleles (0.000062%); highest among the groups gnomAD compares: Non-Finnish European, 0.000085%; no homozygotes.

Submissions (3):

GeneDx
Classification: Likely pathogenic. Last evaluated: 2026-04-06. Review status: criteria provided, single submitter. Criteria: GeneDx Variant Classification Process June 2021. Collection method: clinical testing. Allele origin: germline.
Comment: Not observed at significant frequency in large population cohorts (gnomAD); In silico analysis supports that this missense variant has a deleterious effect on protein structure/function; Has not been previously published as pathogenic or benign to our knowledge; This variant is associated with the following publications: (PMID: 12668474)

Women's Health and Genetics/Laboratory Corporation of America, LabCorp
Classification: Uncertain significance. Last evaluated: 2025-03-26. Review status: criteria provided, single submitter. Criteria: LabCorp Variant Classification Summary - May 2015. Collection method: clinical testing. Allele origin: germline.
Comment: Variant summary: RYR1 c.8026C>G (p.Arg2676Gly) results in a non-conservative amino acid change in the encoded protein sequence. Three of five in-silico tools predict a damaging effect of the variant on protein function. The variant was absent in 251366 control chromosomes. The available data on variant occurrences in the general population are insufficient to allow any conclusion about variant significance. To our knowledge, no occurrence of c.8026C>G in individuals affected with Congenital multicore myopathy with external ophthalmoplegia and no experimental evidence demonstrating its impact on protein function have been reported. No submitters have cited clinical-significance assessments for this variant to ClinVar. Based on the evidence outlined above, the variant was classified as uncertain significance.

Blueprint Genetics
Classification: Uncertain significance. Last evaluated: 2023-06-26. Review status: criteria provided, single submitter. Criteria: ACMG Guidelines, 2015. Collection method: clinical testing. Allele origin: germline.

NM_000540.3(RYR1):c.8026C>G (p.Arg2676Gly)

Gene: RYR1 (ryanodine receptor 1; plus strand). Cytogenetic location: 19q13.2.
Variant type: single nucleotide variant.
Coding change: c.8026C>G on transcript NM_000540.3 (MANE Select); coding-DNA position 8026, C replaced by G.
Protein change: p.Arg2676Gly; replaces arginine 2676 with glycine.
Molecular consequence: missense variant.
Genome position (GRCh38, 1-based): chr19:38,504,319, C>G. VCF-style: chr19-38504319-C-G. GRCh37 (hg19) VCF-style: chr19-38994959-C-G.
Other names: c.8026C>G, p.Arg2676Gly (NM_001042723.2); short protein forms R2676G.
Identifiers: ClinVar variation 3895913 (VCV003895913.3).